The following is an entry in ClinVar:

ClinVar aggregate classification (germline): Likely pathogenic. Review status: criteria provided, multiple submitters, no conflicts (2 of 4 stars). 2 submissions from 2 submitters: Likely pathogenic (2). Last evaluated 2025-05-29.

Conditions:
Pendred syndrome (PDS). Also called: Pendred's syndrome; Pendred Syndrome (PDS); THYROID DYSHORMONOGENESIS 2B; THYROID HORMONOGENESIS, GENETIC DEFECT IN, 2B; DEAFNESS WITH GOITER; GOITER-DEAFNESS SYNDROME. Identifiers: Orphanet 705, MedGen C0271829, MONDO:0010134, OMIM 274600.

Submissions (2):

Natera, Inc.
Classification: Likely pathogenic for Pendred syndrome. Last evaluated: 2025-05-29. Review status: criteria provided, single submitter. Criteria: Natera Variant Classification Schema (03/2026). Collection method: clinical testing. Allele origin: germline.
Comment: The c.1342-1G>A variant in SLC26A4 is a canonical splice acceptor site variant predicted to affect pre-mRNA splicing, which may result in an abnormal transcript and altered protein product. This variant is expected to result in nonsense mediated decay, truncation, or a dysfunctional protein product. This variant is rare in the general population with a frequency below the threshold expected for the associated phenotype(s). This variant has been observed in one or more individuals affected with the associated recessive disease, as either homozygous or compound heterozygous with a second variant (PMID: 37811145). Given the available evidence, this variant is classified as Likely Pathogenic.

Labcorp Genetics (formerly Invitae), Labcorp
Classification: Likely pathogenic. Last evaluated: 2023-06-16. Review status: criteria provided, single submitter. Criteria: Invitae Variant Classification Sherloc (09022015). Collection method: clinical testing. Allele origin: germline.
Comment: This variant is not present in population databases (gnomAD no frequency). This sequence change affects an acceptor splice site in intron 11 of the SLC26A4 gene. It is expected to disrupt RNA splicing. Variants that disrupt the donor or acceptor splice site typically lead to a loss of protein function (PMID: 16199547), and loss-of-function variants in SLC26A4 are known to be pathogenic (PMID: 16283880, 25394566, 26252218, 26445815). This variant has not been reported in the literature in individuals affected with SLC26A4-related conditions. In summary, the currently available evidence indicates that the variant is pathogenic, but additional data are needed to prove that conclusively. Therefore, this variant has been classified as Likely Pathogenic. Algorithms developed to predict the effect of sequence changes on RNA splicing suggest that this variant may disrupt the consensus splice site. ClinVar contains an entry for this variant (Variation ID: 2103019).

Literature cited by the submitters: PubMed 37811145 (cited by Natera, Inc.); PubMed 16199547 (cited by Labcorp Genetics (formerly Invitae), Labcorp); PubMed 16283880 (cited by Labcorp Genetics (formerly Invitae), Labcorp); PubMed 25394566 (cited by Labcorp Genetics (formerly Invitae), Labcorp); PubMed 26252218 (cited by Labcorp Genetics (formerly Invitae), Labcorp); PubMed 26445815 (cited by Labcorp Genetics (formerly Invitae), Labcorp).

NM_000441.2(SLC26A4):c.1342-1G>A

Gene: SLC26A4 (solute carrier family 26 member 4; plus strand). Cytogenetic location: 7q22.3.
Variant type: single nucleotide variant.
Coding change: c.1342-1G>A on transcript NM_000441.2 (MANE Select); the canonical splice acceptor site of the intron before coding-DNA position 1342, G replaced by A.
Molecular consequence: splice acceptor variant.
Genome position (GRCh38, 1-based): chr7:107,694,620, G>A. VCF-style: chr7-107694620-G-A. GRCh37 (hg19) VCF-style: chr7-107335065-G-A.
Other names: c.1342-1G>A (NM_000441.1).
Identifiers: ClinVar variation 2103019 (VCV002103019.5), dbSNP rs1057517298, ClinGen allele CA368840503.
Genomic context (GRCh38, chr7:107,694,620, plus strand): 5'-ACAATCATCACATGGAAAACCATTCCCTGAATAACACAGCCTTCTCTGTCTCTCTTGGCA[G>A]TCGGTCTTGGCAGCTGTTGTAATTGCCAACCTGAAAGGGATGTTTATGCAGCTGTGTGAC-3'